The following is an entry in ClinVar:

NM_006204.4(PDE6C):c.694A>G (p.Met232Val)

Gene: PDE6C (phosphodiesterase 6C; plus strand). Cytogenetic location: 10q23.33.
Variant type: single nucleotide variant.
Coding change: c.694A>G on transcript NM_006204.4 (MANE Select); coding-DNA position 694, A replaced by G.
Protein change: p.Met232Val; replaces methionine 232 with valine.
Molecular consequence: missense variant.
Genome position (GRCh38, 1-based): chr10:93,620,951, A>G. VCF-style: chr10-93620951-A-G. GRCh37 (hg19) VCF-style: chr10-95380708-A-G.
Other names: short protein forms M232V.
Identifiers: ClinVar variation 1006576 (VCV001006576.8), dbSNP rs1051004545, ClinGen allele CA211573750.

ClinVar aggregate classification (germline): Uncertain significance (1 of 4 stars; one submission).

Allele frequency attached by ClinVar (database versions not stated): gnomAD exomes below 0.00001; TOPMed 0.00001.
gnomAD v4.1: 1 of 1,614,028 alleles (0.000062%); highest among the groups gnomAD compares: Non-Finnish European, 0.000085%; no homozygotes.

Submission:

Labcorp Genetics (formerly Invitae), Labcorp
Classification: Uncertain significance. Last evaluated: 2024-11-05. Review status: criteria provided, single submitter. Criteria: Invitae Variant Classification Sherloc (09022015). Collection method: clinical testing. Allele origin: germline.
Comment: This sequence change replaces methionine, which is neutral and non-polar, with valine, which is neutral and non-polar, at codon 232 of the PDE6C protein (p.Met232Val). This variant is present in population databases (no rsID available, gnomAD 0.0009%). This variant has not been reported in the literature in individuals affected with PDE6C-related conditions. ClinVar contains an entry for this variant (Variation ID: 1006576). Invitae Evidence Modeling of protein sequence and biophysical properties (such as structural, functional, and spatial information, amino acid conservation, physicochemical variation, residue mobility, and thermodynamic stability) indicates that this missense variant is not expected to disrupt PDE6C protein function with a negative predictive value of 80%. In summary, the available evidence is currently insufficient to determine the role of this variant in disease. Therefore, it has been classified as a Variant of Uncertain Significance.